The following is an entry in ClinVar:

NM_001099274.3(TINF2):c.79T>C (p.Cys27Arg)

Genes: TINF2 (TERF1 interacting nuclear factor 2; minus strand), LOC130055403 (ATAC-STARR-seq lymphoblastoid active region 8199; plus strand). Cytogenetic location: 14q12.
Variant type: single nucleotide variant.
Coding change: c.79T>C on transcript NM_001099274.3 (MANE Select); coding-DNA position 79, T replaced by C.
Protein change: p.Cys27Arg; replaces cysteine 27 with arginine.
Molecular consequence: missense variant.
Genome position (GRCh38, 1-based): chr14:24,242,254, A>G on the plus strand (T>C on the coding strand, the complement: TINF2 is on the minus strand). VCF-style: chr14-24242254-A-G. GRCh37 (hg19) VCF-style: chr14-24711460-A-G.
Other names: c.79T>C, p.Cys27Arg (NM_001363668.2, NM_012461.3); short protein forms C27R.
Identifiers: ClinVar variation 1003577 (VCV001003577.9), dbSNP rs2040597244, ClinGen allele CA389236278.
Genomic context (GRCh38, chr14:24,242,254, plus strand): 5'-CAGGGGCAACAGCGCGCAGAGATCGCAGAAACTCCAGTACTCGCGGAAAATGTTCCACGC[A>G]GCGTCCGCGCACAACCTGCCAGCTAGCCGCGGCGGCGAAGCGTAGAGCTGCGGGACCCGC-3'
Protein context (NP_001092744.1, residues 17-37): AASWQVVRGR[Cys27Arg]VEHFPRVLEF

ClinVar aggregate classification (germline): Uncertain significance (1 of 4 stars; one submission).

Conditions:
Dyskeratosis congenita. Identifiers: Orphanet 1775, MedGen C0265965, MONDO:0015780.

Allele frequency attached by ClinVar (database versions not stated): gnomAD exomes 0.00001.

Submission:

Labcorp Genetics (formerly Invitae), Labcorp
Classification: Uncertain significance for Dyskeratosis congenita. Last evaluated: 2020-06-18. Review status: criteria provided, single submitter. Criteria: Invitae Variant Classification Sherloc (09022015). Collection method: clinical testing. Allele origin: germline.
Comment: In summary, the available evidence is currently insufficient to determine the role of this variant in disease. Therefore, it has been classified as a Variant of Uncertain Significance. Algorithms developed to predict the effect of missense changes on protein structure and function output the following: SIFT: "Tolerated"; PolyPhen-2: "Possibly Damaging"; Align-GVGD: "Class C0". The arginine amino acid residue is found in multiple mammalian species, suggesting that this missense change does not adversely affect protein function. These predictions have not been confirmed by published functional studies and their clinical significance is uncertain. This variant has not been reported in the literature in individuals with TINF2-related conditions. This variant is not present in population databases (ExAC no frequency). This sequence change replaces cysteine with arginine at codon 27 of the TINF2 protein (p.Cys27Arg). The cysteine residue is weakly conserved and there is a large physicochemical difference between cysteine and arginine.